The following is an entry in ClinVar:

ClinVar aggregate classification (germline): Uncertain significance (1 of 4 stars; one submission).

Allele frequency attached by ClinVar (database versions not stated): ExAC 0.00001; gnomAD exomes 0.00001; TOPMed 0.00001.
gnomAD v4.1: 4 of 1,614,140 alleles (0.00025%); highest among the groups gnomAD compares: Admixed American, 0.0067%; no homozygotes.

Submission:

Labcorp Genetics (formerly Invitae), Labcorp
Classification: Uncertain significance. Last evaluated: 2025-04-25. Review status: criteria provided, single submitter. Criteria: Invitae Variant Classification Sherloc (09022015). Collection method: clinical testing. Allele origin: germline.
Comment: This sequence change replaces proline, which is neutral and non-polar, with serine, which is neutral and polar, at codon 238 of the EMC1 protein (p.Pro238Ser). This variant is present in population databases (rs755514370, gnomAD 0.01%). This variant has not been reported in the literature in individuals affected with EMC1-related conditions. ClinVar contains an entry for this variant (Variation ID: 2081634). Invitae Evidence Modeling of protein sequence and biophysical properties (such as structural, functional, and spatial information, amino acid conservation, physicochemical variation, residue mobility, and thermodynamic stability) indicates that this missense variant is not expected to disrupt EMC1 protein function with a negative predictive value of 80%. In summary, the available evidence is currently insufficient to determine the role of this variant in disease. Therefore, it has been classified as a Variant of Uncertain Significance.

NM_015047.3(EMC1):c.712C>T (p.Pro238Ser)

Genes: EMC1 (ER membrane protein complex subunit 1; minus strand), EMC1-AS1 (EMC1 antisense RNA 1; plus strand). Cytogenetic location: 1p36.13.
Variant type: single nucleotide variant.
Coding change: c.712C>T on transcript NM_015047.3 (MANE Select); coding-DNA position 712, C replaced by T.
Protein change: p.Pro238Ser; replaces proline 238 with serine.
Molecular consequence: missense variant. On other transcripts: non-coding transcript variant (1).
Genome position (GRCh38, 1-based): chr1:19,240,371, G>A on the plus strand (C>T on the coding strand, the complement: EMC1 is on the minus strand). VCF-style: chr1-19240371-G-A. GRCh37 (hg19) VCF-style: chr1-19566865-G-A.
Other names: c.712C>T, p.Pro238Ser (NM_001271427.2, NM_001271428.2, NM_001375820.1 and 1 more transcripts); c.646C>T, p.Pro216Ser (NM_001271429.2); short protein forms P238S, P216S.
Identifiers: ClinVar variation 2081634 (VCV002081634.4), dbSNP rs755514370, ClinGen allele CA652818.